The following is an entry in ClinVar:

NM_001365536.1(SCN9A):c.*1492C>G

Genes: SCN1A-AS1 (SCN1A and SCN9A antisense RNA 1; plus strand), SCN9A (sodium voltage-gated channel alpha subunit 9; minus strand). Cytogenetic location: 2q24.3.
Variant type: single nucleotide variant.
Coding change: c.*1492C>G on transcript NM_001365536.1 (MANE Select); 1492 bases downstream of the stop codon, C replaced by G.
Molecular consequence: 3 prime UTR variant.
Genome position (GRCh38, 1-based): chr2:166,197,180, G>C on the plus strand (C>G on the coding strand, the complement: SCN9A is on the minus strand). VCF-style: chr2-166197180-G-C. GRCh37 (hg19) VCF-style: chr2-167053690-G-C.
Other names: c.*1492C>G (NM_002977.4).
Identifiers: ClinVar variation 331932 (VCV000331932.6), dbSNP rs73017542, ClinGen allele CA10612779.

ClinVar aggregate classification (germline): Benign. Review status: criteria provided, single submitter (1 of 4 stars). 3 submissions from 1 submitter: Benign (3). Last evaluated 2018-01-12.

Conditions:
Primary erythromelalgia. Also called: SCN9A Erythromelalgia (SCN9A-EM); primary erythermalgia. Identifiers: Orphanet 306577, Orphanet 90026, MedGen C0014805, MONDO:0007571, OMIM 133020.
Paroxysmal extreme pain disorder (PEXPD). Also called: PAIN, SUBMANDIBULAR, OCULAR, AND RECTAL, WITH FLUSHING; RECTAL PAIN, FAMILIAL; SCN9A Paroxysmal Extreme Pain Disorder (SCN9A-PEPD). Identifiers: Orphanet 46348, MedGen C1833661, MONDO:0008179, OMIM 167400.
Channelopathy-associated congenital insensitivity to pain, autosomal recessive. Also called: Insensitivity to pain, channelopathy-associated; ASYMBOLIA FOR PAIN; CONGENITAL ANALGESIA, AUTOSOMAL RECESSIVE. Identifiers: Orphanet 88642, Orphanet 970, MedGen C1855739, MONDO:0009459, OMIM 243000.

Allele frequency attached by ClinVar (database versions not stated): gnomAD 0.03296; TOPMed 0.03671; 1000 Genomes Project 0.03694; 1000 Genomes Project 30x 0.04122.

Submissions (3):

Illumina Laboratory Services, Illumina
Classification: Benign for Primary erythromelalgia. Last evaluated: 2018-01-12. Review status: criteria provided, single submitter. Criteria: ICSL Variant Classification Criteria 13 December 2019. Collection method: clinical testing. Allele origin: germline.
Comment: This variant was observed in the ICSL laboratory as part of a predisposition screen in an ostensibly healthy population. It had not been previously curated by ICSL or reported in the Human Gene Mutation Database (HGMD: prior to June 1st, 2018), and was therefore a candidate for classification through an automated scoring system. Utilizing variant allele frequency, disease prevalence and penetrance estimates, and inheritance mode, an automated score was calculated to assess if this variant is too frequent to cause the disease. Based on the score and internal cut-off values, a variant classified as benign is not then subjected to further curation. The score for this variant resulted in a classification of benign for this disease.

Illumina Laboratory Services, Illumina
Classification: Benign for Channelopathy-associated congenital insensitivity to pain, autosomal recessive. Last evaluated: 2018-01-12. Review status: criteria provided, single submitter. Criteria: ICSL Variant Classification Criteria 13 December 2019. Collection method: clinical testing. Allele origin: germline.
Comment: the same text as in the submission from Illumina Laboratory Services, Illumina above.

Illumina Laboratory Services, Illumina
Classification: Benign for Paroxysmal extreme pain disorder. Last evaluated: 2018-01-12. Review status: criteria provided, single submitter. Criteria: ICSL Variant Classification Criteria 13 December 2019. Collection method: clinical testing. Allele origin: germline.
Comment: the same text as in the submission from Illumina Laboratory Services, Illumina above.